The following is an entry in ClinVar:

ClinVar aggregate classification (germline): Uncertain significance (1 of 4 stars; one submission).

Conditions:
Autosomal recessive limb-girdle muscular dystrophy type 2J (LGMDR10). Also called: Limb-girdle muscular dystrophy, type 2J; MUSCULAR DYSTROPHY, LIMB-GIRDLE, AUTOSOMAL RECESSIVE 10. Identifiers: Orphanet 140922, MedGen C1837342, MONDO:0012127, OMIM 608807.
Dilated cardiomyopathy 1G (CMD1G). Identifiers: Orphanet 154, MedGen C1858763, MONDO:0011400, OMIM 604145.

Submission:

Labcorp Genetics (formerly Invitae), Labcorp
Classification: Uncertain significance for Dilated cardiomyopathy 1G; Autosomal recessive limb-girdle muscular dystrophy type 2J. Last evaluated: 2025-05-17. Review status: criteria provided, single submitter. Criteria: Invitae Variant Classification Sherloc (09022015). Collection method: clinical testing. Allele origin: germline.
Comment: This sequence change replaces glycine, which is neutral and non-polar, with cysteine, which is neutral and slightly polar, at codon 33961 of the TTN protein (p.Gly33961Cys). This variant is not present in population databases (gnomAD no frequency). This variant has not been reported in the literature in individuals affected with TTN-related conditions. Experimental studies and prediction algorithms are not available or were not evaluated, and the functional significance of this variant is currently unknown. This variant is located in the M band of TTN (PMID: 25589632). Non-truncating variants in this region may be relevant for neuromuscular disorders, but have not been definitively shown to cause cardiomyopathy (PMID: 23975875). In summary, the available evidence is currently insufficient to determine the role of this variant in disease. Therefore, it has been classified as a Variant of Uncertain Significance.

Literature cited by the submitters: PubMed 25589632; PubMed 23975875.

NM_001267550.2(TTN):c.101881G>T (p.Gly33961Cys)

Genes: TTN-AS1 (TTN antisense RNA 1; plus strand), TTN (titin; minus strand). Cytogenetic location: 2q31.2.
Variant type: single nucleotide variant.
Coding change: c.101881G>T on transcript NM_001267550.2 (MANE Select); coding-DNA position 101881, G replaced by T.
Protein change: p.Gly33961Cys; replaces glycine 33961 with cysteine.
Molecular consequence: missense variant.
Genome position (GRCh38, 1-based): chr2:178,534,734, C>A on the plus strand (G>T on the coding strand, the complement: TTN is on the minus strand). VCF-style: chr2-178534734-C-A. GRCh37 (hg19) VCF-style: chr2-179399461-C-A.
Other names: c.96958G>T, p.Gly32320Cys (NM_001256850.1); c.74686G>T, p.Gly24896Cys (NM_003319.4); c.94177G>T, p.Gly31393Cys (NM_133378.4); c.75061G>T, p.Gly25021Cys (NM_133432.3); c.75262G>T, p.Gly25088Cys (NM_133437.4); short protein forms G25088C, G33961C, G24896C, G25021C, G32320C, G31393C.
Identifiers: ClinVar variation 4784963 (VCV004784963.1).
Genomic context (GRCh38, chr2:178,534,734, plus strand): 5'-ATTCTGGGGCAGTGAATAGAAGCCTGAAGTTGTCCCCTGGTTTCAGCTGACGGGCTTGAC[C>A]AAATTCTATGATTTTAATGGTAGAGCTTCTTCTGGTTTGGTAAATGATATTTTCTGGTCT-3'
Protein context (NP_001254479.2, residues 33951-33971): RSSTIKIIEF[Gly33961Cys]QARQLKPGDN